The following is an entry in ClinVar:

NM_015662.3(IFT172):c.2234A>T (p.Gln745Leu)

Gene: IFT172 (intraflagellar transport 172; minus strand). Cytogenetic location: 2p23.3.
Variant type: single nucleotide variant.
Coding change: c.2234A>T on transcript NM_015662.3 (MANE Select); coding-DNA position 2234, A replaced by T.
Protein change: p.Gln745Leu; replaces glutamine 745 with leucine.
Molecular consequence: missense variant.
Genome position (GRCh38, 1-based): chr2:27,461,477, T>A on the plus strand (A>T on the coding strand, the complement: IFT172 is on the minus strand). VCF-style: chr2-27461477-T-A. GRCh37 (hg19) VCF-style: chr2-27684344-T-A.
Other names: c.2234A>T (NM_015662.2); c.2168A>T, p.Gln723Leu (NM_001410739.1); short protein forms Q723L, Q745L.
Identifiers: ClinVar variation 3586337 (VCV003586337.2).

ClinVar aggregate classification (germline): Uncertain significance. Review status: criteria provided, multiple submitters, no conflicts (2 of 4 stars). 2 submissions from 2 submitters: Uncertain significance (2). Last evaluated 2025-07-24.

Conditions:
Short-rib thoracic dysplasia 10 with or without polydactyly (SRTD10). Identifiers: Orphanet 474, MedGen C3810175, MONDO:0014284, OMIM 615630.
Bardet-Biedl syndrome 20. Identifiers: MedGen C4310707, MONDO:0023670, OMIM 619471, MONDO:0014926.
Retinitis pigmentosa 71 (RP71). Identifiers: Orphanet 791, MedGen C4225342, MONDO:0014618, OMIM 616394.
IFT172-related disorder. Also called: IFT172-related disorders; IFT172-related condition.

gnomAD v4.1: 5 of 1,613,936 alleles (0.00031%); highest among the groups gnomAD compares: Non-Finnish European, 0.00042%; no homozygotes.

Submissions (2):

PreventionGenetics, part of Exact Sciences
Classification: Uncertain significance for IFT172-related condition. Last evaluated: 2025-07-24. Review status: criteria provided, single submitter. Criteria: ACMG Guidelines, 2015. Collection method: clinical testing. Allele origin: germline.
Comment: The IFT172 c.2234A>T variant is predicted to result in the amino acid substitution p.Gln745Leu. To our knowledge, this variant has not been reported in the literature. This variant is reported in 0.00088% of alleles in individuals of European (Non-Finnish) descent in gnomAD. At this time, the clinical significance of this variant is uncertain due to the absence of conclusive functional and genetic evidence.

Fulgent Genetics
Classification: Uncertain significance for Short-rib thoracic dysplasia 10 with or without polydactyly; Retinitis pigmentosa 71; Bardet-Biedl syndrome 20. Last evaluated: 2024-04-08. Review status: criteria provided, single submitter. Criteria: ACMG Guidelines, 2015. Collection method: clinical testing. Allele origin: germline.